The following is an entry in ClinVar:

NM_058216.3(RAD51C):c.278A>C (p.Gln93Pro)

Gene: RAD51C (RAD51 paralog C; plus strand). Cytogenetic location: 17q22.
Variant type: single nucleotide variant.
Coding change: c.278A>C on transcript NM_058216.3 (MANE Select); coding-DNA position 278, A replaced by C.
Protein change: p.Gln93Pro; replaces glutamine 93 with proline.
Molecular consequence: missense variant. On other transcripts: non-coding transcript variant (2).
Genome position (GRCh38, 1-based): chr17:58,695,063, A>C. VCF-style: chr17-58695063-A-C. GRCh37 (hg19) VCF-style: chr17-56772424-A-C.
Other names: c.278A>C, p.Gln93Pro (NM_002876.4, NM_058217.1); short protein forms Q93P.
Identifiers: ClinVar variation 1718158 (VCV001718158.5), dbSNP rs2143722875, ClinGen allele CA400340796.
Genomic context (GRCh38, chr17:58,695,063, plus strand): 5'-CAAGATATGCTGGTACATCTGAGTCACACAAGAAGTGTACAGCACTGGAACTTCTTGAGC[A>C]GGAGCATACCCAGGGCTTCATAATCACCTTCTGTTCAGCACTAGATGATATTCTTGGGGG-3'
Protein context (NP_478123.1, residues 83-103): KKCTALELLE[Gln93Pro]EHTQGFIITF

ClinVar aggregate classification (germline): Uncertain significance (1 of 4 stars; one submission).

Conditions:
Fanconi anemia complementation group O. Also called: RAD51C-Related Fanconi Anemia. Identifiers: Orphanet 84, MedGen C3150653, MONDO:0013248, OMIM 613390.

Submission:

Labcorp Genetics (formerly Invitae), Labcorp
Classification: Uncertain significance for Fanconi anemia complementation group O. Last evaluated: 2022-08-27. Review status: criteria provided, single submitter. Criteria: Invitae Variant Classification Sherloc (09022015). Collection method: clinical testing. Allele origin: germline.
Comment: This sequence change replaces glutamine, which is neutral and polar, with proline, which is neutral and non-polar, at codon 93 of the RAD51C protein (p.Gln93Pro). This variant is not present in population databases (gnomAD no frequency). In summary, the available evidence is currently insufficient to determine the role of this variant in disease. Therefore, it has been classified as a Variant of Uncertain Significance. Advanced modeling of protein sequence and biophysical properties (such as structural, functional, and spatial information, amino acid conservation, physicochemical variation, residue mobility, and thermodynamic stability) performed at Invitae indicates that this missense variant is expected to disrupt RAD51C protein function. This variant has not been reported in the literature in individuals affected with RAD51C-related conditions.